The following is an entry in ClinVar:

ClinVar aggregate classification (germline): Uncertain significance (1 of 4 stars; one submission).

Conditions:
Bethlem myopathy 1A. Also called: Bethlem myopathy 1; Bethlem Muscular Dystrophy; MYOPATHY, BENIGN CONGENITAL, WITH CONTRACTURES. Identifiers: Orphanet 610, MedGen CN029274, MONDO:0024530, OMIM 158810.

Allele frequency attached by ClinVar (database versions not stated): gnomAD 0.00001.
gnomAD v4.1: 1 of 1,614,128 alleles (0.000062%); highest among the groups gnomAD compares: Non-Finnish European, 0.000085%; no homozygotes.

Submission:

Labcorp Genetics (formerly Invitae), Labcorp
Classification: Uncertain significance for Bethlem myopathy 1A. Last evaluated: 2021-02-25. Review status: criteria provided, single submitter. Criteria: Invitae Variant Classification Sherloc (09022015). Collection method: clinical testing. Allele origin: germline.
Comment: This variant has not been reported in the literature in individuals with COL6A3-related conditions. This sequence change replaces glutamic acid with aspartic acid at codon 2105 of the COL6A3 protein (p.Glu2105Asp). The glutamic acid residue is highly conserved and there is a small physicochemical difference between glutamic acid and aspartic acid. This variant is not present in population databases (ExAC no frequency). Advanced modeling of protein sequence and biophysical properties (such as structural, functional, and spatial information, amino acid conservation, physicochemical variation, residue mobility, and thermodynamic stability) performed at Invitae indicates that this missense variant is not expected to disrupt COL6A3 protein function. In summary, the available evidence is currently insufficient to determine the role of this variant in disease. Therefore, it has been classified as a Variant of Uncertain Significance.

NM_004369.4(COL6A3):c.6315A>C (p.Glu2105Asp)

Genes: COL6A3 (collagen type VI alpha 3 chain; minus strand), LOC122889011 (Sharpr-MPRA regulatory region 1020; plus strand). Cytogenetic location: 2q37.3.
Variant type: single nucleotide variant.
Coding change: c.6315A>C on transcript NM_004369.4 (MANE Select); coding-DNA position 6315, A replaced by C.
Protein change: p.Glu2105Asp; replaces glutamic acid 2105 with aspartic acid.
Molecular consequence: missense variant.
Genome position (GRCh38, 1-based): chr2:237,359,245, T>G on the plus strand (A>C on the coding strand, the complement: COL6A3 is on the minus strand). VCF-style: chr2-237359245-T-G. GRCh37 (hg19) VCF-style: chr2-238267888-T-G.
Other names: c.4494A>C, p.Glu1498Asp (NM_057166.5); c.5697A>C, p.Glu1899Asp (NM_057167.4); short protein forms E1899D, E2105D, E1498D.
Identifiers: ClinVar variation 1507583 (VCV001507583.8), dbSNP rs1235042491, ClinGen allele CA351216146.